The following is an entry in ClinVar:

ClinVar aggregate classification (germline): Pathogenic (1 of 4 stars; one submission).

Conditions:
Familial cancer of breast. Also called: hereditary breast carcinoma; BREAST CANCER, FAMILIAL; Hereditary breast cancer. Identifiers: Orphanet 227535, MedGen C0346153, MONDO:0016419, OMIM 114480. Disease mechanism: loss of function.

Submission:

Labcorp Genetics (formerly Invitae), Labcorp
Classification: Pathogenic for Familial cancer of breast. Last evaluated: 2021-09-19. Review status: criteria provided, single submitter. Criteria: Invitae Variant Classification Sherloc (09022015). Collection method: clinical testing. Allele origin: germline.
Comment: For these reasons, this variant has been classified as Pathogenic. This variant has not been reported in the literature in individuals affected with BARD1-related conditions. This sequence change creates a premature translational stop signal (p.Trp34Glyfs*24) in the BARD1 gene. It is expected to result in an absent or disrupted protein product. Loss-of-function variants in BARD1 are known to be pathogenic (PMID: 20077502, 21344236). This variant is not present in population databases (ExAC no frequency).

Literature cited by the submitters: PubMed 20077502; PubMed 21344236.

NM_000465.4(BARD1):c.99del (p.Trp34fs)

Gene: BARD1 (BRCA1 associated RING domain 1; minus strand). Cytogenetic location: 2q35.
Variant type: Deletion.
Coding change: c.99del on transcript NM_000465.4 (MANE Select); coding-DNA position 99, one base deleted (C; older notation c.99delC).
Protein change: p.Trp34fs; shifts the reading frame from tryptophan 34.
Molecular consequence: frameshift variant. On other transcripts: non-coding transcript variant (3).
Genome position (GRCh38, 1-based): chr2:214,809,471, G deleted on the plus strand (C on the coding strand, the reverse complement: BARD1 is on the minus strand); the first of 2 consecutive G bases (chr2:214,809,471-214,809,472); deleting either gives the same sequence. VCF-style (leftmost placement, unchanged base first): chr2-214809470-AG-A. GRCh37 (hg19) VCF-style: chr2-215674194-AG-A.
Other names: c.99del, p.Trp34fs (NM_001282543.2, NM_001282545.2, NM_001282548.2 and 1 more transcripts); short protein forms W34fs.
Identifiers: ClinVar variation 1405632 (VCV001405632.7), dbSNP rs2106171232, ClinGen allele CA2573135147.